The following is an entry in ClinVar:

ClinVar aggregate classification (germline): Uncertain significance (1 of 4 stars; one submission).

Allele frequency attached by ClinVar (database versions not stated): gnomAD exomes below 0.00001; TOPMed below 0.00001.
gnomAD v4.1: 7 of 1,612,490 alleles (0.00043%); highest among the groups gnomAD compares: Non-Finnish European, 0.00051%; no homozygotes.

Submission:

Labcorp Genetics (formerly Invitae), Labcorp
Classification: Uncertain significance. Last evaluated: 2024-10-08. Review status: criteria provided, single submitter. Criteria: Invitae Variant Classification Sherloc (09022015). Collection method: clinical testing. Allele origin: germline.
Comment: This sequence change replaces glycine, which is neutral and non-polar, with arginine, which is basic and polar, at codon 2193 of the SRCAP protein (p.Gly2193Arg). The frequency data for this variant in the population databases is considered unreliable, as metrics indicate poor data quality at this position in the gnomAD database. This variant has not been reported in the literature in individuals affected with SRCAP-related conditions. ClinVar contains an entry for this variant (Variation ID: 1477935). Invitae Evidence Modeling of protein sequence and biophysical properties (such as structural, functional, and spatial information, amino acid conservation, physicochemical variation, residue mobility, and thermodynamic stability) has been performed for this missense variant. However, the output from this modeling did not meet the statistical confidence thresholds required to predict the impact of this variant on SRCAP protein function. In summary, the available evidence is currently insufficient to determine the role of this variant in disease. Therefore, it has been classified as a Variant of Uncertain Significance.

NM_006662.3(SRCAP):c.6577G>A (p.Gly2193Arg)

Gene: SRCAP (Snf2 related CREBBP activator protein; plus strand). Cytogenetic location: 16p11.2.
Variant type: single nucleotide variant.
Coding change: c.6577G>A on transcript NM_006662.3 (MANE Select); coding-DNA position 6577, G replaced by A.
Protein change: p.Gly2193Arg; replaces glycine 2193 with arginine.
Molecular consequence: missense variant.
Genome position (GRCh38, 1-based): chr16:30,733,976, G>A. VCF-style: chr16-30733976-G-A. GRCh37 (hg19) VCF-style: chr16-30745297-G-A.
Other names: short protein forms G2193R.
Identifiers: ClinVar variation 1477935 (VCV001477935.6), dbSNP rs1484499267, ClinGen allele CA395625461.